The following is an entry in ClinVar:

ClinVar aggregate classification (germline): Uncertain significance. Review status: criteria provided, multiple submitters, no conflicts (2 of 4 stars). 4 submissions from 4 submitters: Uncertain significance (4). Last evaluated 2025-04-01.

Conditions:
AIFM1-related disorder. Also called: AIFM1-related condition.
Charcot-Marie-Tooth Neuropathy X. Identifiers: MedGen CN118851.
Combined oxidative phosphorylation deficiency. Identifiers: MedGen C4540031, MONDO:0000732.

Allele frequency attached by ClinVar (database versions not stated): TOPMed below 0.00001; gnomAD exomes below 0.00001.
gnomAD v4.1: 3 of 1,211,989 alleles (0.00025%); highest among the groups gnomAD compares: Non-Finnish European, 0.00033%; no homozygotes.

Submissions (4):

Labcorp Genetics (formerly Invitae), Labcorp
Classification: Uncertain significance for Charcot-Marie-Tooth Neuropathy X; Combined oxidative phosphorylation deficiency. Last evaluated: 2025-04-01. Review status: criteria provided, single submitter. Criteria: Invitae Variant Classification Sherloc (09022015). Collection method: clinical testing. Allele origin: germline.
Comment: This sequence change replaces glutamic acid, which is acidic and polar, with valine, which is neutral and non-polar, at codon 531 of the AIFM1 protein (p.Glu531Val). This variant is not present in population databases (gnomAD no frequency). This variant has not been reported in the literature in individuals affected with AIFM1-related conditions. ClinVar contains an entry for this variant (Variation ID: 1304652). Invitae Evidence Modeling of protein sequence and biophysical properties (such as structural, functional, and spatial information, amino acid conservation, physicochemical variation, residue mobility, and thermodynamic stability) indicates that this missense variant is not expected to disrupt AIFM1 protein function with a negative predictive value of 80%. In summary, the available evidence is currently insufficient to determine the role of this variant in disease. Therefore, it has been classified as a Variant of Uncertain Significance.

CeGaT Center for Human Genetics Tuebingen
Classification: Uncertain significance. Last evaluated: 2024-06-01. Review status: criteria provided, single submitter. Criteria: CeGaT Center For Human Genetics Tuebingen Variant Classification Criteria Version 2. Collection method: clinical testing. Allele origin: germline. Affected: yes. Observed: 1 variant allele.
Comment: AIFM1: PM2

GeneDx
Classification: Uncertain significance. Last evaluated: 2024-04-03. Review status: criteria provided, single submitter. Criteria: GeneDx Variant Classification Process June 2021. Collection method: clinical testing. Allele origin: germline. Affected: yes.
Comment: Not observed in large population cohorts (gnomAD); In silico analysis supports that this missense variant has a deleterious effect on protein structure/function; Has not been previously published as pathogenic or benign to our knowledge

PreventionGenetics, part of Exact Sciences
Classification: Uncertain significance for AIFM1-related condition. Last evaluated: 2023-07-09. Review status: criteria provided, single submitter. Criteria: ACMG Guidelines, 2015. Collection method: clinical testing. Allele origin: germline.
Comment: The AIFM1 c.1592A>T variant is predicted to result in the amino acid substitution p.Glu531Val. To our knowledge, this variant has not been reported in the literature or in a large population database, indicating this variant is rare. At this time, the clinical significance of this variant is uncertain due to the absence of conclusive functional and genetic evidence.

NM_004208.4(AIFM1):c.1592A>T (p.Glu531Val)

Genes: AIFM1 (apoptosis inducing factor mitochondria associated 1; minus strand), RAB33A (RAB33A, member RAS oncogene family; plus strand). Cytogenetic location: Xq26.1.
Variant type: single nucleotide variant.
Coding change: c.1592A>T on transcript NM_004208.4 (MANE Select); coding-DNA position 1592, A replaced by T.
Protein change: p.Glu531Val; replaces glutamic acid 531 with valine.
Molecular consequence: missense variant. On other transcripts: 3 prime UTR variant (1), non-coding transcript variant (1).
Genome position (GRCh38, 1-based): chrX:130,130,148, T>A on the plus strand (A>T on the coding strand, the complement: AIFM1 is on the minus strand). VCF-style: chrX-130130148-T-A. GRCh37 (hg19) VCF-style: chrX-129264123-T-A.
Other names: c.575A>T, p.Glu192Val (NM_001130846.4); c.*820A>T (NM_001130847.4); c.1580A>T, p.Glu527Val (NM_145812.3); short protein forms E192V, E527V, E531V.
Identifiers: ClinVar variation 1304652 (VCV001304652.25), dbSNP rs1285480966, ClinGen allele CA414569718.